The following is an entry in ClinVar:

NM_000038.6(APC):c.1129A>T (p.Lys377Ter)

Gene: APC (APC regulator of Wnt signaling pathway; plus strand). Cytogenetic location: 5q22.2.
Variant type: single nucleotide variant.
Coding change: c.1129A>T on transcript NM_000038.6 (MANE Select); coding-DNA position 1129, A replaced by T.
Protein change: p.Lys377Ter; replaces lysine 377 with a stop codon.
Molecular consequence: nonsense. On other transcripts: non-coding transcript variant (2), intron variant (15).
Genome position (GRCh38, 1-based): chr5:112,819,161, A>T. VCF-style: chr5-112819161-A-T. GRCh37 (hg19) VCF-style: chr5-112154858-A-T.
Other names: c.1129A>T, p.Lys377Ter (NM_001127510.3, NM_001354895.2, NM_001354896.2 and 4 more transcripts); c.1075A>T, p.Lys359Ter (NM_001127511.3); c.1159A>T, p.Lys387Ter (NM_001354897.2, NM_001407446.1); c.1054A>T, p.Lys352Ter (NM_001354898.2, NM_001407451.1); c.1045A>T, p.Lys349Ter (NM_001354899.2, NM_001407452.1); c.952A>T, p.Lys318Ter (NM_001354900.2, NM_001354901.2, NM_001407453.1); c.280A>T, p.Lys94Ter (NM_001354906.2, NM_001407470.1); c.85-108A>T (NM_001407472.1, NM_001407471.1); and 5 more; short protein forms K318*, K349*, K352*, K359*, K377*, K387*, K94*.
Identifiers: ClinVar variation 2583919 (VCV002583919.2), dbSNP rs2149781488, ClinGen allele CA16023780.
Genomic context (GRCh38, chr5:112,819,161, plus strand): 5'-ATCCAGCTTTTACATGGCAATGACAAAGACTCTGTATTGTTGGGAAATTCCCGGGGCAGT[A>T]AAGAGGCTCGGGCCAGGGCCAGTGCAGCACTCCACAACATCATTCACTCACAGCCTGATG-3'

ClinVar aggregate classification (germline): Pathogenic (1 of 4 stars; one submission).

Conditions:
Familial adenomatous polyposis 1 (FAP1). Also called: FAMILIAL ADENOMATOUS POLYPOSIS 1, ATTENUATED; POLYPOSIS, ADENOMATOUS INTESTINAL. Identifiers: MedGen C2713442, MONDO:0021056, OMIM 175100. Disease mechanism: loss of function.

Submission:

Myriad Genetics, Inc.
Classification: Pathogenic for Familial adenomatous polyposis 1. Last evaluated: 2023-04-28. Review status: criteria provided, single submitter. Criteria: Myriad Autosomal Dominant, Autosomal Recessive and X-Linked Classification Criteria (2023). Collection method: clinical testing. Allele origin: unknown.
Comment: This variant is considered pathogenic. This variant creates a termination codon and is predicted to result in premature protein truncation.